The following is an entry in ClinVar:

ClinVar aggregate classification (germline): Uncertain significance (1 of 4 stars; one submission).

Conditions:
Dystonia, childhood-onset, with optic atrophy and basal ganglia abnormalities (DYTOABG). Also called: DYSTONIA 29, CHILDHOOD-ONSET; MECR-Related Neurologic Disorder. Identifiers: Orphanet 508093, MedGen C4310634, MONDO:0015003, OMIM 617282.

gnomAD v4.1: 1 of 1,613,976 alleles (0.000062%); highest among the groups gnomAD compares: Non-Finnish European, 0.000085%; no homozygotes.

Submission:

Unidad de Genómica Garrahan, Hospital de Pediatría Garrahan
Classification: Uncertain significance for Dystonia, childhood-onset, with optic atrophy and basal ganglia abnormalities. Last evaluated: 2024-07-31. Review status: criteria provided, single submitter. Criteria: ACMG Guidelines, 2015. Collection method: clinical testing. Allele origin: inherited. Affected: yes. Observed: 1 homozygote.
Comment: A missense variant NM_016011.5: c.406G>A was identified in exon 3 of the MECR gene in homozygous state. This variant involves a protein-level change from Glycine to Arginine at position 136 (p.(Gly136Arg)). This variant has a null frequency in population databases. In turn, it has not been previously reported in the scientific literature or in databases associated with pathologies of genetic origin. On the other hand, bioinformatics tools indicate that the variant would have a deleterious effect on the functionality of the protein.

Literature cited by the submitters: PubMed 27817865.

NM_016011.5(MECR):c.406G>A (p.Gly136Arg)

Gene: MECR (mitochondrial trans-2-enoyl-CoA reductase; minus strand). Cytogenetic location: 1p35.3.
Variant type: single nucleotide variant.
Coding change: c.406G>A on transcript NM_016011.5 (MANE Select); coding-DNA position 406, G replaced by A.
Protein change: p.Gly136Arg; replaces glycine 136 with arginine.
Molecular consequence: missense variant. On other transcripts: non-coding transcript variant (4).
Genome position (GRCh38, 1-based): chr1:29,216,005, C>T on the plus strand (G>A on the coding strand, the complement: MECR is on the minus strand). VCF-style: chr1-29216005-C-T. GRCh37 (hg19) VCF-style: chr1-29542517-C-T.
Other names: c.178G>A, p.Gly60Arg (NM_001024732.4, NM_001349711.2, NM_001349712.2 and 2 more transcripts); c.511G>A, p.Gly171Arg (NM_001349715.2); c.490G>A, p.Gly164Arg (NM_001349716.2); c.256G>A, p.Gly86Arg (NM_001349717.2); short protein forms G136R, G164R, G171R, G60R, G86R.
Identifiers: ClinVar variation 3256916 (VCV003256916.2).